The following is an entry in ClinVar:

NM_022124.6(CDH23):c.4240A>C (p.Asn1414His)

Gene: CDH23 (cadherin related 23; plus strand). Cytogenetic location: 10q22.1.
Variant type: single nucleotide variant.
Coding change: c.4240A>C on transcript NM_022124.6 (MANE Select); coding-DNA position 4240, A replaced by C.
Protein change: p.Asn1414His; replaces asparagine 1414 with histidine.
Molecular consequence: missense variant.
Genome position (GRCh38, 1-based): chr10:71,738,528, A>C. VCF-style: chr10-71738528-A-C. GRCh37 (hg19) VCF-style: chr10-73498285-A-C.
Other names: short protein forms N1414H.
Identifiers: ClinVar variation 1062667 (VCV001062667.6), dbSNP rs751496939, ClinGen allele CA5544991.

ClinVar aggregate classification (germline): Uncertain significance (1 of 4 stars; one submission).

Allele frequency attached by ClinVar (database versions not stated): gnomAD exomes below 0.00001; gnomAD 0.00001; TOPMed below 0.00001; ExAC 0.00001.
gnomAD v4.1: 3 of 1,613,848 alleles (0.00019%); highest among the groups gnomAD compares: African/African-American, 0.0013%; no homozygotes.

Submission:

Labcorp Genetics (formerly Invitae), Labcorp
Classification: Uncertain significance. Last evaluated: 2021-08-24. Review status: criteria provided, single submitter. Criteria: Invitae Variant Classification Sherloc (09022015). Collection method: clinical testing. Allele origin: germline.
Comment: This sequence change replaces asparagine with histidine at codon 1414 of the CDH23 protein (p.Asn1414His). The asparagine residue is highly conserved and there is a small physicochemical difference between asparagine and histidine. This variant is present in population databases (rs751496939, ExAC 0.01%). This variant has not been reported in the literature in individuals affected with CDH23-related conditions. Algorithms developed to predict the effect of missense changes on protein structure and function are either unavailable or do not agree on the potential impact of this missense change (SIFT: "Deleterious"; PolyPhen-2: "Not Available"; Align-GVGD: "Class C65"). In summary, the available evidence is currently insufficient to determine the role of this variant in disease. Therefore, it has been classified as a Variant of Uncertain Significance.